The following is an entry in ClinVar:

ClinVar aggregate classification (germline): Uncertain significance (1 of 4 stars; one submission).

Conditions:
DICER1-related tumor predisposition. Also called: DICER1-related pleuropulmonary blastoma cancer predisposition syndrome; DICER1 syndrome. Identifiers: Orphanet 284343, MedGen C3839822, MONDO:0100216.

Submission:

Labcorp Genetics (formerly Invitae), Labcorp
Classification: Uncertain significance for DICER1-related tumor predisposition. Last evaluated: 2025-04-07. Review status: criteria provided, single submitter. Criteria: Invitae Variant Classification Sherloc (09022015). Collection method: clinical testing. Allele origin: germline.
Comment: This sequence change replaces histidine, which is basic and polar, with glutamine, which is neutral and polar, at codon 633 of the DICER1 protein (p.His633Gln). This variant is not present in population databases (gnomAD no frequency). This variant has not been reported in the literature in individuals affected with DICER1-related conditions. ClinVar contains an entry for this variant (Variation ID: 2769717). Invitae Evidence Modeling of protein sequence and biophysical properties (such as structural, functional, and spatial information, amino acid conservation, physicochemical variation, residue mobility, and thermodynamic stability) indicates that this missense variant is not expected to disrupt DICER1 protein function with a negative predictive value of 95%. In summary, the available evidence is currently insufficient to determine the role of this variant in disease. Therefore, it has been classified as a Variant of Uncertain Significance.

NM_177438.3(DICER1):c.1899C>A (p.His633Gln)

Gene: DICER1 (dicer 1, ribonuclease III; minus strand). Cytogenetic location: 14q32.13.
Variant type: single nucleotide variant.
Coding change: c.1899C>A on transcript NM_177438.3 (MANE Select); coding-DNA position 1899, C replaced by A.
Protein change: p.His633Gln; replaces histidine 633 with glutamine.
Molecular consequence: missense variant. On other transcripts: non-coding transcript variant (6).
Genome position (GRCh38, 1-based): chr14:95,115,675, G>T on the plus strand (C>A on the coding strand, the complement: DICER1 is on the minus strand). VCF-style: chr14-95115675-G-T. GRCh37 (hg19) VCF-style: chr14-95582012-G-T.
Other names: c.1899C>A, p.His633Gln (NM_001195573.1, NM_001271282.3, NM_001291628.2 and 13 more transcripts); c.1617C>A, p.His539Gln (NM_001395686.1); c.1494C>A, p.His498Gln (NM_001395687.1, NM_001395688.1, NM_001395689.1 and 3 more transcripts); c.1332C>A, p.His444Gln (NM_001395691.1); c.216C>A, p.His72Gln (NM_001395697.1); short protein forms H444Q, H539Q, H72Q, H498Q, H633Q.
Identifiers: ClinVar variation 2769717 (VCV002769717.3), dbSNP rs1566788243, ClinGen allele CA390883896.